The following is an entry in ClinVar:

ClinVar aggregate classification (germline): Uncertain significance (1 of 4 stars; one submission).

Conditions:
Neurofibromatosis, type 1 (NF1). Also called: NEUROFIBROMATOSIS, TYPE I, SOMATIC; Peripheral type neurofibromatosis; VON RECKLINGHAUSEN DISEASE; Neurofibromatosis, type I. Identifiers: Orphanet 636, MedGen C0027831, MONDO:0018975, OMIM 162200. Disease mechanism: loss of function.

Submission:

Labcorp Genetics (formerly Invitae), Labcorp
Classification: Uncertain significance for Neurofibromatosis, type 1. Last evaluated: 2020-07-14. Review status: criteria provided, single submitter. Criteria: Invitae Variant Classification Sherloc (09022015). Collection method: clinical testing. Allele origin: germline.
Comment: In summary, the available evidence is currently insufficient to determine the role of this variant in disease. Therefore, it has been classified as a Variant of Uncertain Significance. Nucleotide substitutions within the consensus splice site are a relatively common cause of aberrant splicing (PMID: 17576681, 9536098). Algorithms developed to predict the effect of sequence changes on RNA splicing suggest that this variant may disrupt the consensus splice site, but this prediction has not been confirmed by published transcriptional studies. This sequence change falls in intron 21 of the NF1 gene. It does not directly change the encoded amino acid sequence of the NF1 protein, but it affects a nucleotide within the consensus splice site of the intron. This variant is not present in population databases (ExAC no frequency). This variant has not been reported in the literature in individuals with NF1-related conditions.

Literature cited by the submitters: PubMed 17576681; PubMed 9536098.

NM_001042492.3(NF1):c.2851-23_2851-7del

Gene: NF1 (neurofibromin 1; plus strand). Cytogenetic location: 17q11.2.
Variant type: Deletion.
Coding change: c.2851-23_2851-7del on transcript NM_001042492.3 (MANE Select); 23 bases into the intron before coding-DNA position 2851 through 7 bases into the intron before coding-DNA position 2851, 17 bases deleted (TAATGTATTTGTTCTTT).
Molecular consequence: intron variant.
Genome position (GRCh38, 1-based): chr17:31,229,812-31,229,828, TAATGTATTTGTTCTTT deleted; deleting any 17 consecutive bases within chr17:31,229,811-31,229,828 gives the same sequence; the c. name uses the placement nearest the transcript's 3' end. VCF-style (leftmost placement, unchanged base first): chr17-31229810-ATTAATGTATTTGTTCTT-A. GRCh37 (hg19) VCF-style: chr17-29556828-ATTAATGTATTTGTTCTT-A.
Other names: c.2851-23_2851-7del (NM_000267.4).
Identifiers: ClinVar variation 1003831 (VCV001003831.5), dbSNP rs2067081767, ClinGen allele CA2255566442.
Genomic context (GRCh38, chr17:31,229,810, plus strand): 5'-TTTAGATCAGTCAGTTTCATCTCTCTAGGGGGTCTGTCTTCTGGGCATTGATGGCAAATC[ATTAATGTATTTGTTCTT>A]TCTTTAGGTTTTATTGACTGATACCAATACTCAATTTGTAGAACAAACCATAGCTATAAT-3'